The following is an entry in ClinVar:

ClinVar aggregate classification (germline): Uncertain significance. Review status: criteria provided, multiple submitters, no conflicts (2 of 4 stars). 2 submissions from 2 submitters: Uncertain significance (2). Last evaluated 2026-08-05.

Conditions:
P2RX2-related disorder. Also called: P2RX2-related condition.

Allele frequency attached by ClinVar (database versions not stated): TOPMed 0.00020.
gnomAD v4.1: 14 of 1,362,220 alleles (0.001%); highest among the groups gnomAD compares: Admixed American, 0.03%; no homozygotes.

Submissions (2):

PreventionGenetics, part of Exact Sciences
Classification: Uncertain significance for P2RX2-related condition. Last evaluated: 2026-08-05. Review status: criteria provided, single submitter. Criteria: ACMG Guidelines, 2015. Collection method: clinical testing. Allele origin: germline.
Comment: The P2RX2 c.85G>T variant is predicted to result in premature protein termination (p.Glu29*). To our knowledge, this variant has not been reported in the literature or in population database gnomAD. At this time, the clinical significance of this variant is uncertain due to the absence of conclusive functional and genetic evidence.

Labcorp Genetics (formerly Invitae), Labcorp
Classification: Uncertain significance. Last evaluated: 2024-11-12. Review status: criteria provided, single submitter. Criteria: Invitae Variant Classification Sherloc (09022015). Collection method: clinical testing. Allele origin: germline.
Comment: This sequence change creates a premature translational stop signal (p.Glu29*) in the P2RX2 gene. It is expected to result in an absent or disrupted protein product. However, the current clinical and genetic evidence is not sufficient to establish whether loss-of-function variants in P2RX2 cause disease. This variant is not present in population databases (gnomAD no frequency). This variant has not been reported in the literature in individuals affected with P2RX2-related conditions. ClinVar contains an entry for this variant (Variation ID: 2045565). In summary, the available evidence is currently insufficient to determine the role of this variant in disease. Therefore, it has been classified as a Variant of Uncertain Significance.

NM_170682.4(P2RX2):c.85G>T (p.Glu29Ter)

Gene: P2RX2 (purinergic receptor P2X 2; plus strand). Cytogenetic location: 12q24.33.
Variant type: single nucleotide variant.
Coding change: c.85G>T on transcript NM_170682.4 (MANE Select); coding-DNA position 85, G replaced by T.
Protein change: p.Glu29Ter; replaces glutamic acid 29 with a stop codon.
Molecular consequence: nonsense.
Genome position (GRCh38, 1-based): chr12:132,618,901, G>T. VCF-style: chr12-132618901-G-T. GRCh37 (hg19) VCF-style: chr12-133195487-G-T.
Other names: c.85G>T, p.Glu29Ter (NM_001282164.2, NM_001282165.2, NM_012226.5 and 4 more transcripts); c.85G>T (NM_174873.2); short protein forms E29*.
Identifiers: ClinVar variation 2045565 (VCV002045565.5), dbSNP rs756505870, ClinGen allele CA387356756.